The following is an entry in ClinVar:

ClinVar aggregate classification (germline): Conflicting classifications of pathogenicity. Review status: criteria provided, conflicting classifications (1 of 4 stars). 2 submissions from 2 submitters: Uncertain significance (1); Likely benign (1). Last evaluated 2026-01-13.

Conditions:
POLD1-related polyposis and colorectal cancer syndrome (CRCS10). Also called: Colorectal cancer 10; COLORECTAL CANCER, SUSCEPTIBILITY TO, ON CHROMOSOME 19q; Colorectal cancer, susceptibility to, 10. Identifiers: Orphanet 220460, MedGen C2675481, MONDO:0012953, OMIM 612591.
Hereditary cancer-predisposing syndrome. Also called: Tumor predisposition; Hereditary Cancer Syndrome; Hereditary neoplastic syndrome; Neoplastic Syndromes, Hereditary. Identifiers: Orphanet 140162, MedGen C0027672, MeSH D009386, MONDO:0015356.

gnomAD v4.1: 1 of 1,551,476 alleles (0.000064%); highest among the groups gnomAD compares: Non-Finnish European, 0.000087%; no homozygotes.

Submissions (2):

Ambry Genetics
Classification: Likely benign for Hereditary cancer-predisposing syndrome. Last evaluated: 2026-01-13. Review status: criteria provided, single submitter. Criteria: Ambry Variant Classification Scheme 2023. Collection method: clinical testing. Allele origin: germline.

Labcorp Genetics (formerly Invitae), Labcorp
Classification: Uncertain significance for POLD1-related polyposis and colorectal cancer syndrome. Last evaluated: 2024-10-13. Review status: criteria provided, single submitter. Criteria: Invitae Variant Classification Sherloc (09022015). Collection method: clinical testing. Allele origin: germline.
Comment: This sequence change replaces asparagine, which is neutral and polar, with serine, which is neutral and polar, at codon 1010 of the POLD1 protein (p.Asn1010Ser). This variant is not present in population databases (gnomAD no frequency). This variant has not been reported in the literature in individuals affected with POLD1-related conditions. ClinVar contains an entry for this variant (Variation ID: 854764). Invitae Evidence Modeling of protein sequence and biophysical properties (such as structural, functional, and spatial information, amino acid conservation, physicochemical variation, residue mobility, and thermodynamic stability) indicates that this missense variant is not expected to disrupt POLD1 protein function with a negative predictive value of 80%. In summary, the available evidence is currently insufficient to determine the role of this variant in disease. Therefore, it has been classified as a Variant of Uncertain Significance.

NM_002691.4(POLD1):c.3029A>G (p.Asn1010Ser)

Gene: POLD1 (DNA polymerase delta 1, catalytic subunit; plus strand). Cytogenetic location: 19q13.33.
Variant type: single nucleotide variant.
Coding change: c.3029A>G on transcript NM_002691.4 (MANE Select); coding-DNA position 3029, A replaced by G.
Protein change: p.Asn1010Ser; replaces asparagine 1010 with serine.
Molecular consequence: missense variant. On other transcripts: non-coding transcript variant (1).
Genome position (GRCh38, 1-based): chr19:50,416,685, A>G. VCF-style: chr19-50416685-A-G. GRCh37 (hg19) VCF-style: chr19-50919942-A-G.
Other names: c.3029A>G (NM_002691.2); c.3029A>G, p.Asn1010Ser (NM_001256849.1); c.3107A>G, p.Asn1036Ser (NM_001308632.1); short protein forms N1010S, N1036S.
Identifiers: ClinVar variation 854764 (VCV000854764.10), dbSNP rs2039309429, ClinGen allele CA406986951.
Genomic context (GRCh38, chr19:50,416,685, plus strand): 5'-GCTGCAAGACGGTGCTCACGGGCAAGGTGGGCGGCCTCCTGGCCTTCGCCAAACGCCGCA[A>G]CTGCTGCATTGGCTGCCGCACAGTGCTCAGCCACCAGGGTGAGCGGCCCTGGCCACTGGG-3'
Protein context (NP_002682.2, residues 1000-1020): GGLLAFAKRR[Asn1010Ser]CCIGCRTVLS